The following is an entry in ClinVar:

NM_001110556.2(FLNA):c.9C>T (p.Ser3=)

Gene: FLNA (filamin A; minus strand). Cytogenetic location: Xq28.
Variant type: single nucleotide variant.
Coding change: c.9C>T on transcript NM_001110556.2 (MANE Select); coding-DNA position 9, C replaced by T.
Protein change: p.Ser3=; no amino-acid change (serine 3 retained).
Molecular consequence: synonymous variant.
Genome position (GRCh38, 1-based): chrX:154,371,237, G>A on the plus strand (C>T on the coding strand, the complement: FLNA is on the minus strand). VCF-style: chrX-154371237-G-A. GRCh37 (hg19) VCF-style: chrX-153599605-G-A.
Other names: c.9C>T, p.Ser3= (NM_001456.4).
Identifiers: ClinVar variation 384197 (VCV000384197.6), dbSNP rs1057521892, ClinGen allele CA16608342.

ClinVar aggregate classification (germline): Likely benign. Review status: criteria provided, multiple submitters, no conflicts (2 of 4 stars). 3 submissions from 3 submitters: Likely benign (3). Last evaluated 2025-09-21.

Conditions:
Oto-palato-digital syndrome, type II (OPD2). Also called: FACIOPALATOOSSEOUS SYNDROME; OPD II SYNDROME; Otopalatodigital Syndrome Type 2 (FLNA-OPD2); Otopalatodigital Syndrome, Type II. Identifiers: Orphanet 669, Orphanet 90652, MedGen C1844696, MONDO:0010571, OMIM 304120.
Heterotopia, periventricular, X-linked dominant (PVNH1). Also called: PERIVENTRICULAR NODULAR HETEROTOPIA 1; X-linked periventricular heterotopia; PERIVENTRICULAR NODULAR HETEROTOPIA 4; HETEROTOPIA, PERIVENTRICULAR, 1. Identifiers: Orphanet 2149, Orphanet 82004, MedGen C1848213, MONDO:0010233, OMIM 300049.
Frontometaphyseal dysplasia (FMD1). Identifiers: Orphanet 1826, MedGen C0265293, MONDO:0015942.
Melnick-Needles syndrome (MNS). Also called: MELNICK-NEEDLES OSTEODYSPLASTY; OSTEODYSPLASTY OF MELNICK AND NEEDLES; Melnick-Needles Syndrome (FLNA-MNS). Identifiers: Orphanet 2484, MedGen C0025237, MONDO:0010650, OMIM 309350.
Familial thoracic aortic aneurysm and aortic dissection (TAAD). Also called: Thoracic aortic aneurysms and dissections. Identifiers: Orphanet 91387, MedGen C4707243, MONDO:0019625.

Allele frequency attached by ClinVar (database versions not stated): gnomAD 0.00001; gnomAD exomes 0.00001; TOPMed 0.00001.
gnomAD v4.1: 11 of 1,200,711 alleles (0.00092%); highest among the groups gnomAD compares: Non-Finnish European, 0.0011%; no homozygotes.

Submissions (3):

Labcorp Genetics (formerly Invitae), Labcorp
Classification: Likely benign for Oto-palato-digital syndrome, type II; Heterotopia, periventricular, X-linked dominant; Frontometaphyseal dysplasia; Melnick-Needles syndrome. Last evaluated: 2025-09-21. Review status: criteria provided, single submitter. Criteria: Invitae Variant Classification Sherloc (09022015). Collection method: clinical testing. Allele origin: germline.

Ambry Genetics
Classification: Likely benign for Familial thoracic aortic aneurysm and aortic dissection. Last evaluated: 2023-02-20. Review status: criteria provided, single submitter. Criteria: Ambry Variant Classification Scheme 2023. Collection method: clinical testing. Allele origin: germline.

GeneDx
Classification: Likely benign. Last evaluated: 2016-02-26. Review status: criteria provided, single submitter. Criteria: GeneDx Variant Classification (06012015). Collection method: clinical testing. Allele origin: germline. Affected: yes.
Comment: This variant is considered likely benign or benign based on one or more of the following criteria: it is a conservative change, it occurs at a poorly conserved position in the protein, it is predicted to be benign by multiple in silico algorithms, and/or has population frequency not consistent with disease.